The following is an entry in ClinVar:

ClinVar aggregate classification (germline): Likely pathogenic (1 of 4 stars; one submission).

Conditions:
Autosomal recessive polycystic kidney disease (ARPKD). Also called: AR polycystic kidney disease. Identifiers: Orphanet 731, Orphanet 8378, MedGen C0085548, MeSH D017044, MONDO:0009889.

gnomAD v4.1: 1 of 1,614,030 alleles (0.000062%); highest among the groups gnomAD compares: Non-Finnish European, 0.000085%; no homozygotes.

Submission:

Natera, Inc.
Classification: Likely pathogenic for Autosomal recessive polycystic kidney disease. Last evaluated: 2024-09-12. Review status: criteria provided, single submitter. Criteria: Natera Variant Classification Schema (03/2026). Collection method: clinical testing. Allele origin: germline.
Comment: The c.8056C>T variant in PKHD1 is a nonsense variant predicted to introduce a stop codon at amino acid 2686. This variant is expected to result in nonsense mediated decay, truncation, or a dysfunctional protein product. This variant is rare in the general population with a frequency below the threshold expected for the associated phenotype(s). Given the available evidence, this variant is classified as Likely Pathogenic.

NM_138694.4(PKHD1):c.8056C>T (p.Gln2686Ter)

Gene: PKHD1 (PKHD1 ciliary IPT domain containing fibrocystin/polyductin; minus strand). Cytogenetic location: 6p12.2.
Variant type: single nucleotide variant.
Coding change: c.8056C>T on transcript NM_138694.4 (MANE Select); coding-DNA position 8056, C replaced by T.
Protein change: p.Gln2686Ter; replaces glutamine 2686 with a stop codon.
Molecular consequence: nonsense.
Genome position (GRCh38, 1-based): chr6:51,847,826, G>A on the plus strand (C>T on the coding strand, the complement: PKHD1 is on the minus strand). VCF-style: chr6-51847826-G-A. GRCh37 (hg19) VCF-style: chr6-51712624-G-A.
Other names: c.8056C>T, p.Gln2686Ter (NM_170724.3); short protein forms Q2686*.
Identifiers: ClinVar variation 4816757 (VCV004816757.1).